The following is an entry in ClinVar:

ClinVar aggregate classification (germline): Uncertain significance (1 of 4 stars; one submission).

gnomAD v4.1: 2 of 1,609,868 alleles (0.00012%); highest among the groups gnomAD compares: Non-Finnish European, 0.00017%; no homozygotes.

Submission:

Labcorp Genetics (formerly Invitae), Labcorp
Classification: Uncertain significance. Last evaluated: 2024-11-21. Review status: criteria provided, single submitter. Criteria: Invitae Variant Classification Sherloc (09022015). Collection method: clinical testing. Allele origin: germline.
Comment: This sequence change replaces lysine, which is basic and polar, with glutamic acid, which is acidic and polar, at codon 452 of the ANLN protein (p.Lys452Glu). This variant is not present in population databases (gnomAD no frequency). This variant has not been reported in the literature in individuals affected with ANLN-related conditions. Invitae Evidence Modeling of protein sequence and biophysical properties (such as structural, functional, and spatial information, amino acid conservation, physicochemical variation, residue mobility, and thermodynamic stability) indicates that this missense variant is not expected to disrupt ANLN protein function with a negative predictive value of 80%. In summary, the available evidence is currently insufficient to determine the role of this variant in disease. Therefore, it has been classified as a Variant of Uncertain Significance.

NM_018685.5(ANLN):c.1354A>G (p.Lys452Glu)

Gene: ANLN (anillin, actin binding protein; plus strand). Cytogenetic location: 7p14.2.
Variant type: single nucleotide variant.
Coding change: c.1354A>G on transcript NM_018685.5 (MANE Select); coding-DNA position 1354, A replaced by G.
Protein change: p.Lys452Glu; replaces lysine 452 with glutamic acid.
Molecular consequence: missense variant.
Genome position (GRCh38, 1-based): chr7:36,411,125, A>G. VCF-style: chr7-36411125-A-G. GRCh37 (hg19) VCF-style: chr7-36450734-A-G.
Other names: c.1354A>G, p.Lys452Glu (NM_001284301.3, NM_001284302.3); short protein forms K452E.
Identifiers: ClinVar variation 3679361 (VCV003679361.2).